The following is an entry in ClinVar:

NM_000540.3(RYR1):c.12841G>A (p.Gly4281Arg)

Gene: RYR1 (ryanodine receptor 1; plus strand). Cytogenetic location: 19q13.2.
Variant type: single nucleotide variant.
Coding change: c.12841G>A on transcript NM_000540.3 (MANE Select); coding-DNA position 12841, G replaced by A.
Protein change: p.Gly4281Arg; replaces glycine 4281 with arginine.
Molecular consequence: missense variant.
Genome position (GRCh38, 1-based): chr19:38,565,175, G>A. VCF-style: chr19-38565175-G-A. GRCh37 (hg19) VCF-style: chr19-39055815-G-A.
Other names: c.12826G>A, p.Gly4276Arg (NM_001042723.2); short protein forms G4281R, G4276R.
Identifiers: ClinVar variation 429639 (VCV000429639.9), dbSNP rs1131691504, ClinGen allele CA405672245.

ClinVar aggregate classification (germline): Uncertain significance. Review status: criteria provided, multiple submitters, no conflicts (2 of 4 stars). 4 submissions from 4 submitters: Uncertain significance (4). Last evaluated 2025-07-30.

Conditions:
RYR1-related disorder. Also called: RYR1-related condition; RYR1-related disorders. Identifiers: MedGen CN239331.
RYR1-related myopathy. Identifiers: Orphanet 98742, MedGen CN305348, MONDO:0100150.

Allele frequency attached by ClinVar (database versions not stated): gnomAD exomes 0.00007.
gnomAD v4.1: 5 of 1,196,474 alleles (0.00042%); highest among the groups gnomAD compares: Middle Eastern, 0.033%; no homozygotes.

Submissions (4):

Labcorp Genetics (formerly Invitae), Labcorp
Classification: Uncertain significance for RYR1-related disorder. Last evaluated: 2025-07-30. Review status: criteria provided, single submitter. Criteria: Invitae Variant Classification Sherloc (09022015). Collection method: clinical testing. Allele origin: germline.
Comment: This sequence change replaces glycine, which is neutral and non-polar, with arginine, which is basic and polar, at codon 4281 of the RYR1 protein (p.Gly4281Arg). This variant is present in population databases (no rsID available, gnomAD 0.09%). This missense change has been observed in individual(s) with clinical features of RYR1-related conditions (PMID: 32236737). ClinVar contains an entry for this variant (Variation ID: 429639). Invitae Evidence Modeling of protein sequence and biophysical properties (such as structural, functional, and spatial information, amino acid conservation, physicochemical variation, residue mobility, and thermodynamic stability) indicates that this missense variant is not expected to disrupt RYR1 protein function with a negative predictive value of 95%. In summary, the available evidence is currently insufficient to determine the role of this variant in disease. Therefore, it has been classified as a Variant of Uncertain Significance.

Revvity Omics, Revvity
Classification: Uncertain significance. Last evaluated: 2025-04-11. Review status: criteria provided, single submitter. Criteria: ACMG Guidelines, 2015. Collection method: clinical testing. Allele origin: germline.

Victorian Clinical Genetics Services, Murdoch Childrens Research Institute
Classification: Uncertain significance for RYR1-related myopathy. Last evaluated: 2023-07-17. Review status: criteria provided, single submitter. Criteria: ACMG Guidelines, 2015. Collection method: clinical testing. Allele origin: germline. Affected: yes.
Comment: Based on the classification scheme VCGS_Germline_v1.3.4, this variant is classified as VUS-3B. Following criteria are met: 0103 - Loss of function and gain of function are known mechanisms of disease in this gene and are associated with RYR1-related disorders (OMIM). Gain of function mechanism has been described in the context of malignant hyperthermia susceptibility (MIM#145600) and congenital myopathy 1A, autosomal dominant, with susceptibility to malignant hyperthermia (MIM#117000). Biallelic congenital myopathy 1B, autosomal recessive (MIM#255320) is associated with a loss of function mechanism (PMIDs: 27855725, 23919265). The mechanism of King-Denborough syndrome (MIM#619542) is unclear. (I) 0108 - This gene is associated with both recessive and dominant disease (OMIM). (I) 0200 - Variant is predicted to result in a missense amino acid change from glycine to arginine. (I) 0251 - This variant is heterozygous. (I) 0304 - Variant is present in gnomAD (v2) <0.01 (1 heterozygote, 0 homozygotes). (SP) 0309 - Multiple alternative amino acid changes at the same position have been observed in gnomAD (v3) (highest allele count: 37 heterozygotes, 0 homozygotes). (I) 0502 - Missense variant with conflicting in silico predictions and uninformative conservation. (I) 0604 - Variant is not located in an established domain, motif, hotspot or informative constraint region. (I) 0710 - Other missense variants comparable to the one identified in this case have inconclusive previous evidence for pathogenicity. These variants (p.(Gly4281Glu), p.(Gly4281Ala)) have been reported as VUS (ClinVar). (I) 0808 - Previous reports of pathogenicity for this variant are conflicting. This variant has been reported once as likely benign and more as a VUS (LOVD, ClinVar). (I) 0905 - No published segregation evidence has been identified for this variant. (I) 1007 - No published functional evidence has been identified for this variant. (I) 1208 - Inheritance information for this variant is not currently available in this individual. (I) Legend: (SP) - Supporting pathogenic, (I) - Information, (SB) - Supporting benign

GeneDx
Classification: Uncertain significance. Last evaluated: 2023-06-06. Review status: criteria provided, single submitter. Criteria: GeneDx Variant Classification Process June 2021. Collection method: clinical testing. Allele origin: germline. Affected: yes.
Comment: Not observed at significant frequency in large population cohorts (gnomAD); In silico analysis supports that this missense variant does not alter protein structure/function; Has not been previously published as pathogenic or benign to our knowledge

Literature cited by the submitters: PubMed 32236737 (cited by Labcorp Genetics (formerly Invitae), Labcorp and Victorian Clinical Genetics Services, Murdoch Childrens Research Institute); PubMed 23919265 (cited by Victorian Clinical Genetics Services, Murdoch Childrens Research Institute); PubMed 27855725 (cited by Victorian Clinical Genetics Services, Murdoch Childrens Research Institute).